The following is an entry in ClinVar:

ClinVar aggregate classification (germline): Benign. Review status: criteria provided, multiple submitters, no conflicts (2 of 4 stars). 5 submissions from 5 submitters: Benign (2). 3 of the submissions do not count toward it. Last evaluated 2026-01-27.

Conditions:
C9-related disorder. Also called: C9-related condition.

Allele frequency attached by ClinVar (database versions not stated): 1000 Genomes Project 0.00120; 1000 Genomes Project 30x 0.00125; TOPMed 0.00280; ExAC 0.00345; gnomAD exomes 0.00373 and 0.00431; gnomAD 0.00405 and 0.00427; ESP Exome Variant Server 0.00461.
gnomAD v4.1: 6,888 of 1,614,184 alleles (0.43%); highest among the groups gnomAD compares: Non-Finnish European, 0.46%; 25 homozygotes.

Submissions (5):

Labcorp Genetics (formerly Invitae), Labcorp
Classification: Benign. Last evaluated: 2026-01-27. Review status: criteria provided, single submitter. Criteria: Invitae Variant Classification Sherloc (09022015). Collection method: clinical testing. Allele origin: germline.

Breakthrough Genomics
Classification: Benign. Review status: criteria provided, single submitter. Criteria: ACMG Guidelines, 2015. Collection method: not provided. Allele origin: germline. Inheritance: Autosomal dominant inheritance. Affected: yes.

PreventionGenetics, part of Exact Sciences
Classification: Benign for C9-related condition. Last evaluated: 2019-06-26. Review status: no assertion criteria provided. Collection method: clinical testing. Allele origin: germline. Not counted in ClinVar's aggregate classification.
Comment: This variant is classified as benign based on ACMG/AMP sequence variant interpretation guidelines (Richards et al. 2015 PMID: 25741868, with internal and published modifications).

Clinical Genetics DNA and cytogenetics Diagnostics Lab, Erasmus MC, Erasmus Medical Center
Classification: Likely benign. Review status: no assertion criteria provided. Collection method: clinical testing. Allele origin: germline. Affected: yes. Study: VKGL Data-share Consensus. Not counted in ClinVar's aggregate classification.

Genome Diagnostics Laboratory, University Medical Center Utrecht
Classification: Likely benign. Review status: no assertion criteria provided. Collection method: clinical testing. Allele origin: germline. Affected: yes. Study: VKGL Data-share Consensus. Not counted in ClinVar's aggregate classification.

NM_001737.5(C9):c.387A>C (p.Ser129=)

Gene: C9 (complement C9; minus strand). Cytogenetic location: 5p13.1.
Variant type: single nucleotide variant.
Coding change: c.387A>C on transcript NM_001737.5 (MANE Select); coding-DNA position 387, A replaced by C.
Protein change: p.Ser129=; no amino-acid change (serine 129 retained).
Molecular consequence: synonymous variant.
Genome position (GRCh38, 1-based): chr5:39,341,235, T>G on the plus strand (A>C on the coding strand, the complement: C9 is on the minus strand). VCF-style: chr5-39341235-T-G. GRCh37 (hg19) VCF-style: chr5-39341337-T-G.
Identifiers: ClinVar variation 778319 (VCV000778319.16), dbSNP rs147450097, ClinGen allele CA3247030.